The following is an entry in ClinVar:

ClinVar aggregate classification (germline): Conflicting classifications of pathogenicity. Review status: criteria provided, conflicting classifications (1 of 4 stars). 4 submissions from 4 submitters: Uncertain significance (3); Likely benign (1). Last evaluated 2026-01-08.

Allele frequency attached by ClinVar (database versions not stated): gnomAD 0.00005; gnomAD exomes 0.00005 and 0.00019; TOPMed 0.00013; ExAC 0.00017.
gnomAD v4.1: 73 of 1,613,810 alleles (0.0045%); highest among the groups gnomAD compares: Admixed American, 0.12%; no homozygotes.

Submissions (4):

Women's Health and Genetics/Laboratory Corporation of America, LabCorp
Classification: Uncertain significance. Last evaluated: 2026-01-08. Review status: criteria provided, single submitter. Criteria: LabCorp Variant Classification Summary - May 2015. Collection method: clinical testing. Allele origin: germline.
Comment: Variant summary: TTPA c.745G>A (p.Glu249Lys) results in a conservative amino acid change in the encoded protein sequence. Algorithms developed to predict the effect of missense changes on protein structure and function all suggest that this variant is likely to be tolerated. The variant allele was found at a frequency of 0.00019 in 251338 control chromosomes. This frequency is not significantly higher than estimated for disease-causing variants in TTPA, allowing no conclusion about variant significance. To our knowledge, no occurrence of c.745G>A in individuals affected with TTPA-related conditions and no experimental evidence demonstrating its impact on protein function have been reported. ClinVar contains an entry for this variant (Variation ID: 1353627). Based on the evidence outlined above, the variant was classified as uncertain significance.

Athena Diagnostics
Classification: Uncertain significance. Last evaluated: 2025-05-09. Review status: criteria provided, single submitter. Criteria: Athena Diagnostics Criteria. Collection method: clinical testing. Allele origin: unknown.
Comment: Available data are insufficient to determine the clinical significance of the variant at this time. The frequency of this variant in the general population is higher than would generally be expected for pathogenic variants in this gene. Polyphen and MutationTaster predict this amino acid change may be benign.

Labcorp Genetics (formerly Invitae), Labcorp
Classification: Uncertain significance. Last evaluated: 2022-10-25. Review status: criteria provided, single submitter. Criteria: Invitae Variant Classification Sherloc (09022015). Collection method: clinical testing. Allele origin: germline.
Comment: This sequence change replaces glutamic acid, which is acidic and polar, with lysine, which is basic and polar, at codon 249 of the TTPA protein (p.Glu249Lys). This variant is present in population databases (no rsID available, gnomAD 0.1%). This variant has not been reported in the literature in individuals affected with TTPA-related conditions. ClinVar contains an entry for this variant (Variation ID: 1353627). Advanced modeling of protein sequence and biophysical properties (such as structural, functional, and spatial information, amino acid conservation, physicochemical variation, residue mobility, and thermodynamic stability) performed at Invitae indicates that this missense variant is not expected to disrupt TTPA protein function. In summary, the available evidence is currently insufficient to determine the role of this variant in disease. Therefore, it has been classified as a Variant of Uncertain Significance.

Blueprint Genetics
Classification: Likely benign. Last evaluated: 2022-02-02. Review status: criteria provided, single submitter. Criteria: ACMG Guidelines, 2015. Collection method: clinical testing. Allele origin: germline.

NM_000370.3(TTPA):c.745G>A (p.Glu249Lys)

Gene: TTPA (alpha tocopherol transfer protein; minus strand). Cytogenetic location: 8q12.3.
Variant type: single nucleotide variant.
Coding change: c.745G>A on transcript NM_000370.3 (MANE Select); coding-DNA position 745, G replaced by A.
Protein change: p.Glu249Lys; replaces glutamic acid 249 with lysine.
Molecular consequence: missense variant.
Genome position (GRCh38, 1-based): chr8:63,061,344, C>T on the plus strand (G>A on the coding strand, the complement: TTPA is on the minus strand). VCF-style: chr8-63061344-C-T. GRCh37 (hg19) VCF-style: chr8-63973903-C-T.
Other names: short protein forms E249K.
Identifiers: ClinVar variation 1353627 (VCV001353627.9), dbSNP rs1041651534, ClinGen allele CA4763148.
Genomic context (GRCh38, chr8:63,061,344, plus strand): 5'-AATCTTCAGACTTCATTATAAAATTTGTCCATTCCTGACAAATGTCCTCCATGGAGAATT[C>T]TTCACCACCATATTCCAGAGGAAGAATGTCTGGGAAATGCTGAAGCAAGCTTTGTTTGTA-3'
Protein context (NP_000361.1, residues 239-259): DILPLEYGGE[Glu249Lys]FSMEDICQEW